The following is an entry in ClinVar:

NM_201384.3(PLEC):c.8392G>A (p.Val2798Ile)

Gene: PLEC (plectin; minus strand). Cytogenetic location: 8q24.3.
Variant type: single nucleotide variant.
Coding change: c.8392G>A on transcript NM_201384.3 (MANE Select); coding-DNA position 8392, G replaced by A.
Protein change: p.Val2798Ile; replaces valine 2798 with isoleucine.
Molecular consequence: missense variant.
Genome position (GRCh38, 1-based): chr8:143,921,429, C>T on the plus strand (G>A on the coding strand, the complement: PLEC is on the minus strand). VCF-style: chr8-143921429-C-T. GRCh37 (hg19) VCF-style: chr8-144995597-C-T.
Other names: c.8473G>A, p.Val2825Ile (NM_000445.5); c.8350G>A, p.Val2784Ile (NM_201378.4); c.8326G>A, p.Val2776Ile (NM_201379.3); c.8803G>A, p.Val2935Ile (NM_201380.4); c.8296G>A, p.Val2766Ile (NM_201381.3); c.8392G>A, p.Val2798Ile (NM_201382.4); c.8404G>A, p.Val2802Ile (NM_201383.3); short protein forms V2776I, V2784I, V2798I, V2802I, V2766I, V2825I, V2935I.
Identifiers: ClinVar variation 963313 (VCV000963313.27), dbSNP rs782431119, ClinGen allele CA4925333.
Genomic context (GRCh38, chr8:143,921,429, plus strand): 5'-GGTCGATAACGCCGCCCGTGGCGATCTGGGCCTCCAGCAGGCGGATGCCGTGCTCCCGGA[C>T]GATGAGGCCCTTCTGCATGGCTTGGAAGAGAGAGATCTGCTGGCCAGTGTAGGGGTCCTT-3'
Protein context (NP_958786.1, residues 2788-2808): LFQAMQKGLI[Val2798Ile]REHGIRLLEA

ClinVar aggregate classification (germline): Uncertain significance. Review status: criteria provided, multiple submitters, no conflicts (2 of 4 stars). 2 submissions from 2 submitters: Uncertain significance (2). Last evaluated 2024-03-01.

Conditions:
Autosomal recessive limb-girdle muscular dystrophy type 2Q (LGMDR17). Also called: MUSCULAR DYSTROPHY, LIMB-GIRDLE, AUTOSOMAL RECESSIVE 17. Identifiers: Orphanet 254361, MedGen C3150989, MONDO:0013390, OMIM 613723.
Epidermolysis bullosa simplex 5B, with muscular dystrophy (EBS5B). Also called: Epidermolysis bullosa simplex with muscular dystrophy; EPIDERMOLYSIS BULLOSA SIMPLEX AND LIMB-GIRDLE MUSCULAR DYSTROPHY. Identifiers: Orphanet 257, MedGen C2931072, MONDO:0009181, OMIM 226670.
Epidermolysis bullosa simplex 5C, with pyloric atresia (EBS5C). Also called: PLEC1-Related Epidermolysis Bullosa with Pyloric Atresia; PLEC-Related Epidermolysis Bullosa with Pyloric Atresia; Epidermolysis bullosa simplex with pyloric atresia. Identifiers: Orphanet 158684, MedGen C2677349, MONDO:0012807, OMIM 612138.
Epidermolysis bullosa simplex, Ogna type (EBS5A). Also called: Pidermolysis bullosa simplex 5A, Ogna type; EPIDERMOLYSIS BULLOSA SIMPLEX 5A, OGNA TYPE. Identifiers: Orphanet 79401, MedGen C0432317, MONDO:0007555, OMIM 131950.
Epidermolysis bullosa simplex with nail dystrophy (EBS5D). Identifiers: MedGen C4225309, MONDO:0014661, OMIM 616487.

Allele frequency attached by ClinVar (database versions not stated): TOPMed below 0.00001; ExAC 0.00001; gnomAD exomes 0.00001.

Submissions (2):

CeGaT Center for Human Genetics Tuebingen
Classification: Uncertain significance. Last evaluated: 2024-03-01. Review status: criteria provided, single submitter. Criteria: CeGaT Center For Human Genetics Tuebingen Variant Classification Criteria Version 2. Collection method: clinical testing. Allele origin: germline. Affected: yes. Observed: 1 variant allele.
Comment: PLEC: PM2, BP4

Labcorp Genetics (formerly Invitae), Labcorp
Classification: Uncertain significance for Autosomal recessive limb-girdle muscular dystrophy type 2Q; Epidermolysis bullosa simplex, Ogna type; Epidermolysis bullosa simplex with nail dystrophy; Epidermolysis bullosa simplex 5C, with pyloric atresia; Epidermolysis bullosa simplex 5B, with muscular dystrophy. Last evaluated: 2022-08-31. Review status: criteria provided, single submitter. Criteria: Invitae Variant Classification Sherloc (09022015). Collection method: clinical testing. Allele origin: germline.
Comment: This sequence change replaces valine, which is neutral and non-polar, with isoleucine, which is neutral and non-polar, at codon 2825 of the PLEC protein (p.Val2825Ile). This variant is present in population databases (rs782431119, gnomAD 0.006%). This variant has not been reported in the literature in individuals affected with PLEC-related conditions. ClinVar contains an entry for this variant (Variation ID: 963313). In summary, the available evidence is currently insufficient to determine the role of this variant in disease. Therefore, it has been classified as a Variant of Uncertain Significance. Algorithms developed to predict the effect of missense changes on protein structure and function output the following: SIFT: "Tolerated"; PolyPhen-2: "Benign"; Align-GVGD: "Class C0". The isoleucine amino acid residue is found in multiple mammalian species, which suggests that this missense change does not adversely affect protein function.